The following is an entry in ClinVar:

NM_001379200.1(TBX1):c.1342C>A (p.Pro448Thr)

Gene: TBX1 (T-box transcription factor 1; plus strand). Cytogenetic location: 22q11.21.
Variant type: single nucleotide variant.
Coding change: c.1342C>A on transcript NM_001379200.1 (MANE Select); coding-DNA position 1342, C replaced by A.
Protein change: p.Pro448Thr; replaces proline 448 with threonine.
Molecular consequence: missense variant. On other transcripts: intron variant (2).
Genome position (GRCh38, 1-based): chr22:19,766,694, C>A. VCF-style: chr22-19766694-C-A. GRCh37 (hg19) VCF-style: chr22-19754217-C-A.
Other names: c.1315C>A, p.Pro439Thr (NM_080647.1); c.1009+692C>A (NM_005992.1, NM_080646.2); short protein forms P439T, P448T.
Identifiers: ClinVar variation 2001091 (VCV002001091.6), dbSNP rs2145839048, ClinGen allele CA410685064.

ClinVar aggregate classification (germline): Conflicting classifications of pathogenicity. Review status: criteria provided, conflicting classifications (1 of 4 stars). 3 submissions from 3 submitters: Uncertain significance (2); Likely benign (1). Last evaluated 2024-09-20.

Conditions:
DiGeorge syndrome. Also called: THIRD AND FOURTH PHARYNGEAL POUCH SYNDROME; Catch22. Identifiers: Orphanet 567, MedGen C0012236, MONDO:0008564, OMIM 188400.
Velocardiofacial syndrome (VCFS). Also called: SHPRINTZEN VCF SYNDROME; VCF SYNDROME; Shprintzen syndrome. Identifiers: Orphanet 567, MedGen C0220704, MONDO:0008644, OMIM 192430. Disease mechanism: loss of function.
Conotruncal heart malformations (CTHM). Also called: Conotruncal heart malformations, variable. Identifiers: Orphanet 2445, Orphanet 3384, Orphanet 3426, MedGen C1857586, MONDO:0016581, OMIM 217095.
Tetralogy of Fallot (TOF). Identifiers: Orphanet 3303, MedGen C0039685, MONDO:0008542, OMIM 187500, HP:0001636.

Submissions (3):

3billion
Classification: Likely benign for Velocardiofacial syndrome; DiGeorge syndrome; Conotruncal heart malformations; Tetralogy of Fallot. Last evaluated: 2024-09-20. Review status: criteria provided, single submitter. Criteria: ACMG Guidelines, 2015. Collection method: clinical testing. Allele origin: germline. Affected: no.
Comment: The variant was identified in at least one patient who was diagnosed with a different variant in another gene and showed no symptoms related to the gene containing the variant in question.

Labcorp Genetics (formerly Invitae), Labcorp
Classification: Uncertain significance for DiGeorge syndrome. Last evaluated: 2024-05-26. Review status: criteria provided, single submitter. Criteria: Invitae Variant Classification Sherloc (09022015). Collection method: clinical testing. Allele origin: germline.
Comment: This sequence change replaces proline, which is neutral and non-polar, with threonine, which is neutral and polar, at codon 439 of the TBX1 protein (p.Pro439Thr). This variant is not present in population databases (gnomAD no frequency). This variant has not been reported in the literature in individuals affected with TBX1-related conditions. ClinVar contains an entry for this variant (Variation ID: 2001091). An algorithm developed to predict the effect of missense changes on protein structure and function (PolyPhen-2) suggests that this variant is likely to be disruptive. In summary, the available evidence is currently insufficient to determine the role of this variant in disease. Therefore, it has been classified as a Variant of Uncertain Significance.

Blueprint Genetics
Classification: Uncertain significance. Last evaluated: 2019-09-25. Review status: criteria provided, single submitter. Criteria: ACMG Guidelines, 2015. Collection method: clinical testing. Allele origin: germline.